The following is an entry in ClinVar:

NM_001148.6(ANK2):c.6221G>A (p.Gly2074Glu)

Genes: ANK2 (ankyrin 2; plus strand), LOC126807136 (MED14-independent group 3 enhancer GRCh37_chr4:114274931-114276130; plus strand). Cytogenetic location: 4q26.
Variant type: single nucleotide variant.
Coding change: c.6221G>A on transcript NM_001148.6 (MANE Select); coding-DNA position 6221, G replaced by A.
Protein change: p.Gly2074Glu; replaces glycine 2074 with glutamic acid.
Molecular consequence: missense variant. On other transcripts: intron variant (68).
Genome position (GRCh38, 1-based): chr4:113,354,839, G>A. VCF-style: chr4-113354839-G-A. GRCh37 (hg19) VCF-style: chr4-114275995-G-A.
Other names: c.5987G>A, p.Gly1996Glu (NM_001386142.1); c.2621G>A, p.Gly874Glu (NM_001386166.1); c.6362G>A, p.Gly2121Glu (NM_001386174.1); c.6338G>A, p.Gly2113Glu (NM_001386175.1); c.4411+4590G>A (NM_001386186.2, NM_001386148.2); c.4213+4590G>A (NM_001354269.3); c.4291+4590G>A (NM_001386187.2); c.4252+4590G>A (NM_001386147.1); and 35 more; short protein forms G2113E, G2121E, G874E, G1996E, G2074E.
Identifiers: ClinVar variation 3864303 (VCV003864303.1).

ClinVar aggregate classification (germline): Uncertain significance (1 of 4 stars; one submission).

Conditions:
Cardiovascular phenotype. Identifiers: MedGen CN230736.

Submission:

Ambry Genetics
Classification: Uncertain significance for Cardiovascular phenotype. Last evaluated: 2025-02-27. Review status: criteria provided, single submitter. Criteria: Ambry Variant Classification Scheme 2023. Collection method: clinical testing. Allele origin: germline.
Comment: The p.G2074E variant (also known as c.6221G>A), located in coding exon 38 of the ANK2 gene, results from a G to A substitution at nucleotide position 6221. The glycine at codon 2074 is replaced by glutamic acid, an amino acid with similar properties. This amino acid position is conserved. In addition, this alteration is predicted to be tolerated by in silico analysis. Based on the available evidence, the clinical significance of this variant remains unclear.